The following is an entry in ClinVar:

NM_014866.2(SEC16A):c.5255T>C (p.Val1752Ala)

Gene: SEC16A (SEC16 homolog A, endoplasmic reticulum export factor; minus strand). Cytogenetic location: 9q34.3.
Variant type: single nucleotide variant.
Coding change: c.5255T>C on transcript NM_014866.2 (MANE Select); coding-DNA position 5255, T replaced by C.
Protein change: p.Val1752Ala; replaces valine 1752 with alanine.
Molecular consequence: missense variant.
Genome position (GRCh38, 1-based): chr9:136,459,492, A>G on the plus strand (T>C on the coding strand, the complement: SEC16A is on the minus strand). VCF-style: chr9-136459492-A-G. GRCh37 (hg19) VCF-style: chr9-139353944-A-G.
Other names: c.5255T>C, p.Val1752Ala (NM_001276418.2); short protein forms V1752A.
Identifiers: ClinVar variation 2572300 (VCV002572300.1), dbSNP rs1485167995, ClinGen allele CA375579732.

ClinVar aggregate classification (germline): Uncertain significance (1 of 4 stars; one submission).

Allele frequency attached by ClinVar (database versions not stated): gnomAD 0.00001.
gnomAD v4.1: 1 of 1,608,400 alleles (0.000062%); highest among the groups gnomAD compares: Non-Finnish European, 0.000085%; no homozygotes.

Submission:

Greenwood Genetic Center Diagnostic Laboratories, Greenwood Genetic Center
Classification: Uncertain significance. Last evaluated: 2023-06-27. Review status: criteria provided, single submitter. Criteria: ACMG Guidelines, 2015. Collection method: clinical testing. Allele origin: germline. Affected: yes.
Comment: Gene of Uncertain Significance